The following is an entry in ClinVar:

ClinVar aggregate classification (germline): Likely benign (1 of 4 stars; one submission).

Allele frequency attached by ClinVar (database versions not stated): gnomAD 0.00001; TOPMed 0.00001; gnomAD exomes 0.00004.
gnomAD v4.1: 55 of 1,593,128 alleles (0.0035%); highest among the groups gnomAD compares: Non-Finnish European, 0.0044%; no homozygotes.

Submission:

CeGaT Center for Human Genetics Tuebingen
Classification: Likely benign. Last evaluated: 2023-12-01. Review status: criteria provided, single submitter. Criteria: CeGaT Center For Human Genetics Tuebingen Variant Classification Criteria Version 2. Collection method: clinical testing. Allele origin: germline. Affected: yes. Observed: 1 variant allele.
Comment: DHX30: BP4, BP7

NM_138615.3(DHX30):c.3564G>A (p.Val1188=)

Gene: DHX30 (DExH-box helicase 30; plus strand). Cytogenetic location: 3p21.31.
Variant type: single nucleotide variant.
Coding change: c.3564G>A on transcript NM_138615.3 (MANE Select); coding-DNA position 3564, G replaced by A.
Protein change: p.Val1188=; no amino-acid change (valine 1188 retained).
Molecular consequence: synonymous variant.
Genome position (GRCh38, 1-based): chr3:47,850,099, G>A. VCF-style: chr3-47850099-G-A. GRCh37 (hg19) VCF-style: chr3-47891589-G-A.
Other names: c.3480G>A, p.Val1160= (NM_001330990.2); c.3447G>A, p.Val1149= (NM_014966.4).
Identifiers: ClinVar variation 3026790 (VCV003026790.22), dbSNP rs746654052, ClinGen allele CA2370432.